The following is an entry in ClinVar:

NM_000767.5(CYP2B6):c.46T>C (p.Leu16=)

Gene: CYP2B6 (cytochrome P450 family 2 subfamily B member 6; plus strand). Cytogenetic location: 19q13.2.
Variant type: single nucleotide variant.
Coding change: c.46T>C on transcript NM_000767.5 (MANE Select); coding-DNA position 46, T replaced by C.
Protein change: p.Leu16=; no amino-acid change (leucine 16 retained).
Molecular consequence: synonymous variant.
Genome position (GRCh38, 1-based): chr19:40,991,351, T>C. VCF-style: chr19-40991351-T-C. GRCh37 (hg19) VCF-style: chr19-41497256-T-C.
Identifiers: ClinVar variation 3043157 (VCV003043157.2), dbSNP rs34477445, ClinGen allele CA9455021.

ClinVar aggregate classification (germline): Likely benign (0 of 4 stars; one submission).

Conditions:
CYP2B6-related disorder. Also called: CYP2B6-related condition.

Allele frequency attached by ClinVar (database versions not stated): ExAC 0.00025; ESP Exome Variant Server 0.00069; gnomAD 0.00088; 1000 Genomes Project 0.00200; 1000 Genomes Project 30x 0.00219.
gnomAD v4.1: 277 of 1,614,076 alleles (0.017%); highest among the groups gnomAD compares: African/African-American, 0.3%; no homozygotes.

Submission:

PreventionGenetics, part of Exact Sciences
Classification: Likely benign for CYP2B6-related condition. Last evaluated: 2019-06-28. Review status: no assertion criteria provided. Collection method: clinical testing. Allele origin: germline.
Comment: This variant is classified as likely benign based on ACMG/AMP sequence variant interpretation guidelines (Richards et al. 2015 PMID: 25741868, with internal and published modifications).